The following is an entry in ClinVar:

NM_001348716.2(KDM6B):c.3022A>T (p.Lys1008Ter)

Gene: KDM6B (lysine demethylase 6B; plus strand). Cytogenetic location: 17p13.1.
Variant type: single nucleotide variant.
Coding change: c.3022A>T on transcript NM_001348716.2 (MANE Select); coding-DNA position 3022, A replaced by T.
Protein change: p.Lys1008Ter; replaces lysine 1008 with a stop codon.
Molecular consequence: nonsense.
Genome position (GRCh38, 1-based): chr17:7,849,310, A>T. VCF-style: chr17-7849310-A-T. GRCh37 (hg19) VCF-style: chr17-7752628-A-T.
Other names: c.3022A>T, p.Lys1008Ter (NM_001080424.2); short protein forms K1008*.
Identifiers: ClinVar variation 5019163 (VCV005019163.1).

ClinVar aggregate classification (germline): Likely pathogenic (1 of 4 stars; one submission).

Conditions:
Neurodevelopmental disorder with coarse facies and mild distal skeletal abnormalities. Also called: STOLERMAN NEURODEVELOPMENTAL SYNDROME. Identifiers: MedGen C5193134, MONDO:0032790, OMIM 618505.

Submission:

Juno Genomics, Hangzhou Juno Genomics, Inc
Classification: Likely pathogenic for Neurodevelopmental disorder with coarse facies and mild distal skeletal abnormalities. Review status: criteria provided, single submitter. Criteria: ACMG Guidelines, 2015. Collection method: clinical testing. Allele origin: germline. Affected: yes.
Comment: Absent from controls (or at extremely low frequency if recessive) in Genome Aggregation Database.;Null variant in a gene where loss of function (LOF) is a known mechanism of disease.